The following is an entry in ClinVar:

ClinVar aggregate classification (germline): Pathogenic (1 of 4 stars; one submission).

Conditions:
Alport syndrome. Also called: Hemorrhagic familial nephritis; Hemorrhagic hereditary nephritis; Congenital hereditary hematuria. Identifiers: Orphanet 63, MedGen C1567741, MONDO:0018965.

Submission:

Victorian Clinical Genetics Services, Murdoch Childrens Research Institute
Classification: Pathogenic for Alport syndrome. Last evaluated: 2025-02-05. Review status: criteria provided, single submitter. Criteria: ACMG Guidelines, 2015. Collection method: clinical testing. Allele origin: germline. Affected: yes.
Comment: This variant is classified as Pathogenic. Evidence in support of pathogenic classification: Variant is absent from gnomAD (v2, v3 and v4); This variant has limited previous evidence of pathogenicity in unrelated individuals. Variant is located in the well-established functional Gly-X-Y motif within the collagen triple helical domain and affects a glycine residue (DECIPHER); Missense variant predicted to be damaging by in silico tool(s) or highly conserved with a major amino acid change. Additional information: Variant is predicted to result in a missense amino acid change from glycine to arginine; This variant is heterozygous; This gene is associated with both recessive and dominant disease. Alport syndrome typically has biallelic inheritance, although rare cases of monoallelic inheritance have been reported (PMID: 28704582). Thin basement membrane nephropathy and focal segmental glomerulosclerosis are associated with autosomal dominant inheritance (OMIM, PMID: 16467446, 17942953); This variant has no previous evidence of pathogenicity; No published functional evidence has been identified for this variant; Other missense variant(s) comparable to the one identified in this case have conflicting previous evidence for pathogenicity. Clinical laboratories have classified p.(Gly1239Val) once as a variant of uncertain significance and p.(Gly1239Ala) once as a variant of uncertain significance and once as likely pathogenic (ClinVar); Loss of function is a known mechanism of disease for this gene and is associated with Alport syndrome (MONDO:0018965). Dominant negative is a suspected mechanism of disease for this gene as it is a structural protein (PMIDs: 12028435, 24046192); Inheritance information for this variant is not currently available in this individual.

Literature cited by the submitters: PubMed 24046192; PubMed 16467446; PubMed 12028435; PubMed 28704582; PubMed 17942953.

NM_000092.5(COL4A4):c.3715G>A (p.Gly1239Arg)

Gene: COL4A4 (collagen type IV alpha 4 chain; minus strand). Cytogenetic location: 2q36.3.
Variant type: single nucleotide variant.
Coding change: c.3715G>A on transcript NM_000092.5 (MANE Select); coding-DNA position 3715, G replaced by A.
Protein change: p.Gly1239Arg; replaces glycine 1239 with arginine.
Molecular consequence: missense variant.
Genome position (GRCh38, 1-based): chr2:227,032,047, C>T on the plus strand (G>A on the coding strand, the complement: COL4A4 is on the minus strand). VCF-style: chr2-227032047-C-T. GRCh37 (hg19) VCF-style: chr2-227896763-C-T.
Other names: short protein forms G1239R.
Identifiers: ClinVar variation 3376550 (VCV003376550.3).